The following is an entry in ClinVar:

NM_001384900.1(SEMA3D):c.159G>A (p.Leu53=)

Gene: SEMA3D (semaphorin 3D; minus strand). Cytogenetic location: 7q21.11.
Variant type: single nucleotide variant.
Coding change: c.159G>A on transcript NM_001384900.1 (MANE Select); coding-DNA position 159, G replaced by A.
Protein change: p.Leu53=; no amino-acid change (leucine 53 retained).
Molecular consequence: synonymous variant.
Genome position (GRCh38, 1-based): chr7:85,097,958, C>T on the plus strand (G>A on the coding strand, the complement: SEMA3D is on the minus strand). VCF-style: chr7-85097958-C-T. GRCh37 (hg19) VCF-style: chr7-84727274-C-T.
Other names: c.159G>A, p.Leu53= (NM_001384901.1, NM_001384902.1, NM_001384903.1 and 1 more transcripts).
Identifiers: ClinVar variation 3353543 (VCV003353543.1).

ClinVar aggregate classification (germline): Likely benign (0 of 4 stars; one submission).

Conditions:
SEMA3D-related disorder. Also called: SEMA3D-related condition.

Submission:

PreventionGenetics, part of Exact Sciences
Classification: Likely benign for SEMA3D-related condition. Last evaluated: 2022-05-17. Review status: no assertion criteria provided. Collection method: clinical testing. Allele origin: germline.
Comment: This variant is classified as likely benign based on ACMG/AMP sequence variant interpretation guidelines (Richards et al. 2015 PMID: 25741868, with internal and published modifications).